The following is an entry in ClinVar:

NM_006231.4(POLE):c.3634A>G (p.Met1212Val)

Gene: POLE (DNA polymerase epsilon, catalytic subunit; minus strand). Cytogenetic location: 12q24.33.
Variant type: single nucleotide variant.
Coding change: c.3634A>G on transcript NM_006231.4 (MANE Select); coding-DNA position 3634, A replaced by G.
Protein change: p.Met1212Val; replaces methionine 1212 with valine.
Molecular consequence: missense variant.
Genome position (GRCh38, 1-based): chr12:132,649,838, T>C on the plus strand (A>G on the coding strand, the complement: POLE is on the minus strand). VCF-style: chr12-132649838-T-C. GRCh37 (hg19) VCF-style: chr12-133226424-T-C.
Other names: c.3634A>G (NM_006231.2); short protein forms M1212V.
Identifiers: ClinVar variation 572986 (VCV000572986.11), dbSNP rs1565946789, ClinGen allele CA387386895.

ClinVar aggregate classification (germline): Uncertain significance. Review status: criteria provided, multiple submitters, no conflicts (2 of 4 stars). 2 submissions from 2 submitters: Uncertain significance (2). Last evaluated 2025-06-09.

Conditions:
Hereditary cancer-predisposing syndrome. Also called: Neoplastic Syndromes, Hereditary; Hereditary Cancer Syndrome; Tumor predisposition; Hereditary neoplastic syndrome. Identifiers: Orphanet 140162, MedGen C0027672, MeSH D009386, MONDO:0015356.

Allele frequency attached by ClinVar (database versions not stated): gnomAD exomes below 0.00001; TOPMed below 0.00001.

Submissions (2):

Ambry Genetics
Classification: Uncertain significance for Hereditary cancer-predisposing syndrome. Last evaluated: 2025-06-09. Review status: criteria provided, single submitter. Criteria: Ambry Variant Classification Scheme 2023. Collection method: clinical testing. Allele origin: germline.
Comment: The p.M1212V variant (also known as c.3634A>G), located in coding exon 30 of the POLE gene, results from an A to G substitution at nucleotide position 3634. The methionine at codon 1212 is replaced by valine, an amino acid with highly similar properties. This amino acid position is conserved. In addition, this alteration is predicted to be tolerated by in silico analysis. Since supporting evidence is limited at this time, the clinical significance of this alteration remains unclear.

Labcorp Genetics (formerly Invitae), Labcorp
Classification: Uncertain significance. Last evaluated: 2025-06-08. Review status: criteria provided, single submitter. Criteria: Invitae Variant Classification Sherloc (09022015). Collection method: clinical testing. Allele origin: germline.
Comment: This sequence change replaces methionine, which is neutral and non-polar, with valine, which is neutral and non-polar, at codon 1212 of the POLE protein (p.Met1212Val). This variant is not present in population databases (gnomAD no frequency). This variant has not been reported in the literature in individuals affected with POLE-related conditions. ClinVar contains an entry for this variant (Variation ID: 572986). Invitae Evidence Modeling of protein sequence and biophysical properties (such as structural, functional, and spatial information, amino acid conservation, physicochemical variation, residue mobility, and thermodynamic stability) indicates that this missense variant is not expected to disrupt POLE protein function with a negative predictive value of 80%. In summary, the available evidence is currently insufficient to determine the role of this variant in disease. Therefore, it has been classified as a Variant of Uncertain Significance.